The following is an entry in ClinVar:

NM_003896.4(ST3GAL5):c.296A>T (p.Tyr99Phe)

Gene: ST3GAL5 (ST3 beta-galactoside alpha-2,3-sialyltransferase 5; minus strand). Cytogenetic location: 2p11.2.
Variant type: single nucleotide variant.
Coding change: c.296A>T on transcript NM_003896.4 (MANE Select); coding-DNA position 296, A replaced by T.
Protein change: p.Tyr99Phe; replaces tyrosine 99 with phenylalanine.
Molecular consequence: missense variant. On other transcripts: 5 prime UTR variant (5).
Genome position (GRCh38, 1-based): chr2:85,861,203, T>A on the plus strand (A>T on the coding strand, the complement: ST3GAL5 is on the minus strand). VCF-style: chr2-85861203-T-A. GRCh37 (hg19) VCF-style: chr2-86088326-T-A.
Other names: c.227A>T, p.Tyr76Phe (NM_001042437.2); c.-266A>T (NM_001354223.2, NM_001354226.2); c.-329A>T (NM_001354224.2); c.212A>T, p.Tyr71Phe (NM_001354227.2, NM_001354229.2, NM_001354238.1); c.-706A>T (NM_001354233.2); c.-670A>T (NM_001354234.1); c.296A>T, p.Tyr99Phe (NM_001363847.1); short protein forms Y71F, Y76F, Y99F.
Identifiers: ClinVar variation 1054878 (VCV001054878.6), dbSNP rs568003096, ClinGen allele CA347533962.

ClinVar aggregate classification (germline): Uncertain significance (1 of 4 stars; one submission).

Conditions:
GM3 synthase deficiency (SPDRS). Also called: AMISH INFANTILE EPILEPSY SYNDROME; SALT AND PEPPER DEVELOPMENTAL REGRESSION SYNDROME; SALT AND PEPPER MENTAL RETARDATION SYNDROME. Identifiers: Orphanet 171714, Orphanet 370933, MedGen C1836824, MONDO:0018274, OMIM 609056.

Allele frequency attached by ClinVar (database versions not stated): gnomAD exomes below 0.00001.
gnomAD v4.1: 5 of 1,611,170 alleles (0.00031%); highest among the groups gnomAD compares: Non-Finnish European, 0.00034%; no homozygotes.

Submission:

Labcorp Genetics (formerly Invitae), Labcorp
Classification: Uncertain significance for GM3 synthase deficiency. Last evaluated: 2022-11-01. Review status: criteria provided, single submitter. Criteria: Invitae Variant Classification Sherloc (09022015). Collection method: clinical testing. Allele origin: germline.
Comment: This sequence change replaces tyrosine, which is neutral and polar, with phenylalanine, which is neutral and non-polar, at codon 99 of the ST3GAL5 protein (p.Tyr99Phe). This variant is present in population databases (no rsID available, gnomAD 0.0009%). This variant has not been reported in the literature in individuals affected with ST3GAL5-related conditions. ClinVar contains an entry for this variant (Variation ID: 1054878). Advanced modeling of protein sequence and biophysical properties (such as structural, functional, and spatial information, amino acid conservation, physicochemical variation, residue mobility, and thermodynamic stability) performed at Invitae indicates that this missense variant is not expected to disrupt ST3GAL5 protein function. In summary, the available evidence is currently insufficient to determine the role of this variant in disease. Therefore, it has been classified as a Variant of Uncertain Significance.